The following is an entry in ClinVar:

ClinVar aggregate classification (germline): Pathogenic (1 of 4 stars; one submission).

Conditions:
Thrombophilia due to protein S deficiency, autosomal recessive (THPH6). Identifiers: Orphanet 743, MedGen C3281092, MONDO:0013791, OMIM 614514. Disease mechanism: loss of function.

Submission:

Labcorp Genetics (formerly Invitae), Labcorp
Classification: Pathogenic for Thrombophilia due to protein S deficiency, autosomal recessive. Last evaluated: 2025-05-02. Review status: criteria provided, single submitter. Criteria: Invitae Variant Classification Sherloc (09022015). Collection method: clinical testing. Allele origin: germline.
Comment: This sequence change creates a premature translational stop signal (p.Cys8*) in the PROS1 gene. It is expected to result in an absent or disrupted protein product. Loss-of-function variants in PROS1 are known to be pathogenic (PMID: 9241758). This variant is not present in population databases (gnomAD no frequency). This variant has not been reported in the literature in individuals affected with PROS1-related conditions. For these reasons, this variant has been classified as Pathogenic.

Literature cited by the submitters: PubMed 9241758.

NM_000313.4(PROS1):c.24C>A (p.Cys8Ter)

Gene: PROS1 (protein S; minus strand). Cytogenetic location: 3q11.1.
Variant type: single nucleotide variant.
Coding change: c.24C>A on transcript NM_000313.4 (MANE Select); coding-DNA position 24, C replaced by A.
Protein change: p.Cys8Ter; replaces cysteine 8 with a stop codon.
Molecular consequence: nonsense.
Genome position (GRCh38, 1-based): chr3:93,973,726, G>T on the plus strand (C>A on the coding strand, the complement: PROS1 is on the minus strand). VCF-style: chr3-93973726-G-T. GRCh37 (hg19) VCF-style: chr3-93692570-G-T.
Other names: c.24C>A, p.Cys8Ter (NM_001314077.2); short protein forms C8*.
Identifiers: ClinVar variation 4718840 (VCV004718840.1).